The following is an entry in ClinVar:

ClinVar aggregate classification (germline): Uncertain significance (1 of 4 stars; one submission).

Conditions:
Hereditary cancer-predisposing syndrome. Also called: Hereditary neoplastic syndrome; Neoplastic Syndromes, Hereditary; Tumor predisposition; Hereditary Cancer Syndrome. Identifiers: Orphanet 140162, MedGen C0027672, MeSH D009386, MONDO:0015356.

Submission:

Ambry Genetics
Classification: Uncertain significance for Hereditary cancer-predisposing syndrome. Last evaluated: 2025-08-27. Review status: criteria provided, single submitter. Criteria: Ambry Variant Classification Scheme 2023. Collection method: clinical testing. Allele origin: germline.
Comment: The p.T288I variant (also known as c.863C>T), located in coding exon 10 of the MUTYH gene, results from a C to T substitution at nucleotide position 863. The threonine at codon 288 is replaced by isoleucine, an amino acid with similar properties. This amino acid position is conserved. In addition, the in silico prediction for this alteration is inconclusive. Based on the available evidence, the clinical significance of this variant remains unclear.

NM_001048174.2(MUTYH):c.779C>T (p.Thr260Ile)

Gene: MUTYH (mutY DNA glycosylase; minus strand). Cytogenetic location: 1p34.1.
Variant type: single nucleotide variant.
Coding change: c.779C>T on transcript NM_001048174.2 (MANE Select); coding-DNA position 779, C replaced by T.
Protein change: p.Thr260Ile; replaces threonine 260 with isoleucine.
Molecular consequence: missense variant. On other transcripts: non-coding transcript variant (7).
Genome position (GRCh38, 1-based): chr1:45,332,236, G>A on the plus strand (C>T on the coding strand, the complement: MUTYH is on the minus strand). VCF-style: chr1-45332236-G-A. GRCh37 (hg19) VCF-style: chr1-45797908-G-A.
Other names: c.503C>T, p.Thr168Ile (NM_001293192.2, NM_001293196.2, NM_001407091.1); c.779C>T, p.Thr260Ile (NM_001293195.2, NM_001407070.1, NM_001407072.1 and 6 more transcripts); c.434C>T, p.Thr145Ile (NM_001350650.2, NM_001350651.2, NM_001407082.1); c.812C>T, p.Thr271Ile (NM_001407069.1, NM_001293191.2, NM_001407077.1); c.782C>T, p.Thr261Ile (NM_001407071.1, NM_001407086.1, NM_001048172.2 and 1 more transcripts); c.800C>T, p.Thr267Ile (NM_001407087.1); c.854C>T, p.Thr285Ile (NM_012222.3); c.863C>T, p.Thr288Ile (NM_001128425.2); and 5 more; short protein forms T232I, T246I, T261I, T288I, T168I, T247I, T274I, T285I.
Identifiers: ClinVar variation 4113869 (VCV004113869.1).